The following is an entry in ClinVar:

ClinVar aggregate classification (germline): Uncertain significance (1 of 4 stars; one submission).

Conditions:
Fabry disease. Also called: Fabry's disease; ALPHA-GALACTOSIDASE A DEFICIENCY; ANDERSON-FABRY DISEASE; CERAMIDE TRIHEXOSIDASE DEFICIENCY; GLA DEFICIENCY; HEREDITARY DYSTOPIC LIPIDOSIS. Identifiers: Orphanet 324, MedGen C0002986, MONDO:0010526, OMIM 301500, HP:0001071. Disease mechanism: Fabry disease is due to inactivating mutations in the X-linked GLA gene resulting in deficiency of the enzyme Alpha Galactosidase-A., loss of function.

gnomAD v4.1: 1 of 1,207,097 alleles (0.000083%); highest among the groups gnomAD compares: Non-Finnish European, 0.00011%; no homozygotes.

Submission:

All of Us Research Program, National Institutes of Health
Classification: Uncertain significance for Fabry disease. Last evaluated: 2023-09-17. Review status: criteria provided, single submitter. Criteria: ACMG Guidelines, 2015. Collection method: clinical testing. Allele origin: germline. Inheritance: X-linked inheritance. Observed: 1 variant allele, 1 heterozygote.
Comment: This missense variant replaces proline with serine at codon 305 of the GLA protein. Computational prediction suggests that this variant may not impact protein structure and function (internally defined REVEL score threshold <= 0.5, PMID: 27666373). To our knowledge, functional studies have not been reported for this variant. This variant has not been reported in individuals affected with GLA-related disorders in the literature. This variant has not been identified in the general population by the Genome Aggregation Database (gnomAD). The available evidence is insufficient to determine the role of this variant in disease conclusively. Therefore, this variant is classified as a Variant of Uncertain Significance.

This study involves interpretation of variants in research participants for the purpose of population health screening. Participant phenotype was not available at the time of variant classification. Additional details can be found in publication PMID: 35346344, PMCID: PMC8962531

NM_000169.3(GLA):c.913C>T (p.Pro305Ser)

Genes: GLA (galactosidase alpha; minus strand), RPL36A-HNRNPH2 (RPL36A-HNRNPH2 readthrough; plus strand). Cytogenetic location: Xq22.1.
Variant type: single nucleotide variant.
Coding change: c.913C>T on transcript NM_000169.3 (MANE Select); coding-DNA position 913, C replaced by T.
Protein change: p.Pro305Ser; replaces proline 305 with serine.
Molecular consequence: missense variant. On other transcripts: non-coding transcript variant (3), intron variant (2).
Genome position (GRCh38, 1-based): chrX:101,398,456, G>A on the plus strand (C>T on the coding strand, the complement: GLA is on the minus strand). VCF-style: chrX-101398456-G-A. GRCh37 (hg19) VCF-style: chrX-100653444-G-A.
Other names: c.1036C>T, p.Pro346Ser (NM_001406747.1); c.913C>T, p.Pro305Ser (NM_001406748.1); c.300+2999G>A (NM_001199973.2); c.177+6634G>A (NM_001199974.2); short protein forms P305S, P346S.
Identifiers: ClinVar variation 3073449 (VCV003073449.1), dbSNP rs2520861862, ClinGen allele CA413922147.